The following is an entry in ClinVar:

NM_007294.4(BRCA1):c.5107T>A (p.Tyr1703Asn)

Gene: BRCA1 (BRCA1 DNA repair associated; minus strand). Cytogenetic location: 17q21.31.
Variant type: single nucleotide variant.
Coding change: c.5107T>A on transcript NM_007294.4 (MANE Select); coding-DNA position 5107, T replaced by A.
Protein change: p.Tyr1703Asn; replaces tyrosine 1703 with asparagine.
Molecular consequence: missense variant. On other transcripts: non-coding transcript variant (1).
Genome position (GRCh38, 1-based): chr17:43,063,919, A>T on the plus strand (T>A on the coding strand, the complement: BRCA1 is on the minus strand). VCF-style: chr17-43063919-A-T. GRCh37 (hg19) VCF-style: chr17-41215936-A-T.
Other names: c.4771T>A, p.Tyr1591Asn (NM_001407952.1, NM_001407953.1, NM_001407950.1 and 3 more transcripts); c.4600T>A, p.Tyr1534Asn (NM_001407965.1); c.4219T>A, p.Tyr1407Asn (NM_001407966.1); c.4216T>A, p.Tyr1406Asn (NM_001407967.1); c.2503T>A, p.Tyr835Asn (NM_001407968.1); c.2500T>A, p.Tyr834Asn (NM_001407969.1); c.1864T>A, p.Tyr622Asn (NM_001407970.1, NM_001407971.1); c.1861T>A, p.Tyr621Asn (NM_001407972.1); and 71 more; short protein forms Y599N, Y1656N, Y1703N, Y1724N, Y1549N, Y1590N, Y1614N, Y1615N.
Identifiers: ClinVar variation 868655 (VCV000868655.3), dbSNP rs863224763, ClinGen allele CA10591315.

Conditions:
Breast-ovarian cancer, familial, susceptibility to, 1 (BROVCA1). Also called: BRCA1 Hereditary Breast and Ovarian Cancer; OVARIAN CANCER, SUSCEPTIBILITY TO. Identifiers: Orphanet 145, MedGen C2676676, MONDO:0011450, OMIM 604370. Disease mechanism: loss of function.

Submission:

Brotman Baty Institute, University of Washington
No classification provided (evidence only). Condition: Breast-ovarian cancer, familial 1. Review status: no classification provided. Collection method: in vitro. Allele origin: not applicable. Functional consequence: functionally_abnormal.
ClinVar note: "not provided" was previously submitted as the classification for the variant. However, the classification appeared to be based only on an observation of functional data so it was converted to no classification on 2025-07-30.